The following is an entry in ClinVar:

ClinVar aggregate classification (germline): Conflicting classifications of pathogenicity. Review status: criteria provided, conflicting classifications (1 of 4 stars). 2 submissions from 2 submitters: Likely pathogenic (1); Uncertain significance (1). Last evaluated 2023-12-15.

Conditions:
Hereditary cancer-predisposing syndrome. Also called: Hereditary Cancer Syndrome; Hereditary neoplastic syndrome; Neoplastic Syndromes, Hereditary; Tumor predisposition. Identifiers: Orphanet 140162, MedGen C0027672, MeSH D009386, MONDO:0015356.

Submissions (2):

Blueprint Genetics
Classification: Uncertain significance. Last evaluated: 2023-12-15. Review status: criteria provided, single submitter. Criteria: ACMG Guidelines, 2015. Collection method: clinical testing. Allele origin: germline.

Ambry Genetics
Classification: Likely pathogenic for Hereditary cancer-predisposing syndrome. Last evaluated: 2020-06-15. Review status: criteria provided, single submitter. Criteria: Ambry Variant Classification Scheme 2023. Collection method: clinical testing. Allele origin: germline.
Comment: The c.1717-3C>A intronic variant results from a C to A substitution 3 nucleotides upstream from coding exon 16 in the TSC2 gene. This nucleotide position is well conserved in available vertebrate species. Using the BDGP and ESEfinder splice site prediction tools, this alteration is predicted to weaken the efficiency of the native splice acceptor site; however, direct evidence is unavailable. Alterations that disrupt the canonical splice site are expected to cause aberrant splicing, resulting in an abnormal protein or a transcript that is subject to nonsense-mediated mRNA decay. As such, this alteration is classified as likely pathogenic.

NM_000548.5(TSC2):c.1717-3C>A

Gene: TSC2 (TSC complex subunit 2; plus strand). Cytogenetic location: 16p13.3.
Variant type: single nucleotide variant.
Coding change: c.1717-3C>A on transcript NM_000548.5 (MANE Select); 3 bases into the intron before coding-DNA position 1717, C replaced by A.
Molecular consequence: intron variant.
Genome position (GRCh38, 1-based): chr16:2,070,453, C>A. VCF-style: chr16-2070453-C-A. GRCh37 (hg19) VCF-style: chr16-2120454-C-A.
Other names: c.1717-3C>A (NM_001114382.3, NM_021055.3, NM_001370405.1 and 3 more transcripts); c.1606-3C>A (NM_001318827.2); c.1117-3C>A (NM_001318831.2); c.1570-3C>A (NM_001318829.2); c.1750-3C>A (NM_001318832.2).
Identifiers: ClinVar variation 1778645 (VCV001778645.3), dbSNP rs2151277529, ClinGen allele CA2580090553.